The following is an entry in ClinVar:

ClinVar aggregate classification (germline): Pathogenic (1 of 4 stars; one submission).

Conditions:
Autosomal recessive primary microcephaly. Identifiers: Orphanet 2512, MedGen C3711387, MONDO:0016660.

Submission:

Women's Health and Genetics/Laboratory Corporation of America, LabCorp
Classification: Pathogenic for Autosomal recessive primary microcephaly. Last evaluated: 2025-12-05. Review status: criteria provided, single submitter. Criteria: LabCorp Variant Classification Summary - May 2015. Collection method: clinical testing. Allele origin: germline.
Comment: Variant summary: The variant involves the deletion of exons 1-12 in the MCPH1 gene. The exact breakpoint at the 5' end of this variant is unknown, therefore this deletion may extend upstream of the annotated region of this gene. Although the exact breakpoints of this deletion are not known, it is predicted to remove the initiation codon and result in an absence of protein or a truncation of the encoded protein due to translation initiation at a downstream site. Loss-of-function variants in this gene are known to be pathogenic. A presumed nomenclature of c.(?_-42)_(2214+1_2215-1)del has been designated for the purposes of this classification. The variant was absent in 21692 control chromosomes. To our knowledge, no occurrence of c.(?_-42)_(2214+1_2215-1)del in individuals affected with MCPH1-related conditions and no experimental evidence demonstrating its impact on protein function have been reported. No submitters have cited clinical-significance assessments for this variant to ClinVar. Based on the evidence outlined above, the variant was classified as pathogenic.

NC_000008.10:g.(?_6264147)_(6357451_6478974)del

Genes: ANGPT2 (angiopoietin 2; minus strand), MCPH1 (microcephalin 1; plus strand). Cytogenetic location: 8p23.1.
Variant type: Deletion.
Identifiers: ClinVar variation 4688536 (VCV004688536.1).